The following is an entry in ClinVar:

NM_002291.3(LAMB1):c.1279C>T (p.Arg427Trp)

Gene: LAMB1 (laminin subunit beta 1; minus strand). Cytogenetic location: 7q31.1.
Variant type: single nucleotide variant.
Coding change: c.1279C>T on transcript NM_002291.3 (MANE Select); coding-DNA position 1279, C replaced by T.
Protein change: p.Arg427Trp; replaces arginine 427 with tryptophan.
Molecular consequence: missense variant.
Genome position (GRCh38, 1-based): chr7:107,975,324, G>A on the plus strand (C>T on the coding strand, the complement: LAMB1 is on the minus strand). VCF-style: chr7-107975324-G-A. GRCh37 (hg19) VCF-style: chr7-107615769-G-A.
Other names: short protein forms R427W.
Identifiers: ClinVar variation 1445040 (VCV001445040.6), dbSNP rs756177392, ClinGen allele CA4436069.

ClinVar aggregate classification (germline): Uncertain significance (1 of 4 stars; one submission).

Allele frequency attached by ClinVar (database versions not stated): gnomAD exomes below 0.00001 and 0.00001; TOPMed below 0.00001; ExAC 0.00001.
gnomAD v4.1: 3 of 1,613,628 alleles (0.00019%); highest among the groups gnomAD compares: East Asian, 0.0022%; no homozygotes.

Submission:

Labcorp Genetics (formerly Invitae), Labcorp
Classification: Uncertain significance. Last evaluated: 2022-01-10. Review status: criteria provided, single submitter. Criteria: Invitae Variant Classification Sherloc (09022015). Collection method: clinical testing. Allele origin: germline.
Comment: This sequence change replaces arginine, which is basic and polar, with tryptophan, which is neutral and slightly polar, at codon 427 of the LAMB1 protein (p.Arg427Trp). This variant is present in population databases (rs756177392, gnomAD 0.006%). This variant has not been reported in the literature in individuals affected with LAMB1-related conditions. Algorithms developed to predict the effect of missense changes on protein structure and function (SIFT, PolyPhen-2, Align-GVGD) all suggest that this variant is likely to be disruptive. In summary, the available evidence is currently insufficient to determine the role of this variant in disease. Therefore, it has been classified as a Variant of Uncertain Significance.